The following is an entry in ClinVar:

ClinVar aggregate classification (germline): Likely benign. Review status: criteria provided, single submitter (1 of 4 stars). 2 submissions from 2 submitters: Likely benign (1). 1 of the submissions does not count toward it. Last evaluated 2024-12-19.

Conditions:
AUTS2-related disorder. Also called: AUTS2-related condition.

Allele frequency attached by ClinVar (database versions not stated): ExAC 0.00001.
gnomAD v4.1: 16 of 1,614,232 alleles (0.00099%); highest among the groups gnomAD compares: South Asian, 0.0099%; no homozygotes.

Submissions (2):

Labcorp Genetics (formerly Invitae), Labcorp
Classification: Likely benign. Last evaluated: 2024-12-19. Review status: criteria provided, single submitter. Criteria: Invitae Variant Classification Sherloc (09022015). Collection method: clinical testing. Allele origin: germline.

PreventionGenetics, part of Exact Sciences
Classification: Likely benign for AUTS2-related condition. Last evaluated: 2021-10-22. Review status: no assertion criteria provided. Collection method: clinical testing. Allele origin: germline. Not counted in ClinVar's aggregate classification.
Comment: This variant is classified as likely benign based on ACMG/AMP sequence variant interpretation guidelines (Richards et al. 2015 PMID: 25741868, with internal and published modifications).

NM_015570.4(AUTS2):c.2370C>T (p.His790=)

Gene: AUTS2 (activator of transcription and developmental regulator AUTS2; plus strand). Cytogenetic location: 7q11.22.
Variant type: single nucleotide variant.
Coding change: c.2370C>T on transcript NM_015570.4 (MANE Select); coding-DNA position 2370, C replaced by T.
Protein change: p.His790=; no amino-acid change (histidine 790 retained).
Molecular consequence: synonymous variant.
Genome position (GRCh38, 1-based): chr7:70,787,270, C>T. VCF-style: chr7-70787270-C-T. GRCh37 (hg19) VCF-style: chr7-70252256-C-T.
Other names: c.2298C>T, p.His766= (NM_001127231.3); c.2370C>T (NM_015570.3).
Identifiers: ClinVar variation 2039585 (VCV002039585.6), dbSNP rs763907536, ClinGen allele CA4281049.